The following is an entry in ClinVar:

ClinVar aggregate classification (germline): Uncertain significance (1 of 4 stars; one submission).

Conditions:
Predisposition to invasive fungal disease due to CARD9 deficiency (IMD103). Also called: Candidiasis, familial, 2, autosomal recessive; CARD9 IMMUNODEFICIENCY; IMMUNODEFICIENCY 103, SUSCEPTIBILITY TO FUNGAL INFECTIONS. Identifiers: Orphanet 457088, MedGen C1859353, MONDO:0008905, OMIM 212050.

Allele frequency attached by ClinVar (database versions not stated): TOPMed 0.00001.
gnomAD v4.1: 5 of 1,612,764 alleles (0.00031%); highest among the groups gnomAD compares: South Asian, 0.0011%; no homozygotes.

Submission:

Labcorp Genetics (formerly Invitae), Labcorp
Classification: Uncertain significance for Predisposition to invasive fungal disease due to CARD9 deficiency. Last evaluated: 2019-09-10. Review status: criteria provided, single submitter. Criteria: Invitae Variant Classification Sherloc (09022015). Collection method: clinical testing. Allele origin: germline.
Comment: In summary, the available evidence is currently insufficient to determine the role of this variant in disease. Therefore, it has been classified as a Variant of Uncertain Significance. Algorithms developed to predict the effect of missense changes on protein structure and function are either unavailable or do not agree on the potential impact of this missense change (SIFT: "Deleterious"; PolyPhen-2: "Benign"; Align-GVGD: "Class C0"). This variant has not been reported in the literature in individuals with CARD9-related conditions. This variant is not present in population databases (ExAC no frequency). This sequence change replaces aspartic acid with asparagine at codon 223 of the CARD9 protein (p.Asp223Asn). The aspartic acid residue is highly conserved and there is a small physicochemical difference between aspartic acid and asparagine.

NM_052813.5(CARD9):c.667G>A (p.Asp223Asn)

Gene: CARD9 (caspase recruitment domain family member 9; minus strand). Cytogenetic location: 9q34.3.
Variant type: single nucleotide variant.
Coding change: c.667G>A on transcript NM_052813.5 (MANE Select); coding-DNA position 667, G replaced by A.
Protein change: p.Asp223Asn; replaces aspartic acid 223 with asparagine.
Molecular consequence: missense variant.
Genome position (GRCh38, 1-based): chr9:136,370,662, C>T on the plus strand (G>A on the coding strand, the complement: CARD9 is on the minus strand). VCF-style: chr9-136370662-C-T. GRCh37 (hg19) VCF-style: chr9-139265114-C-T.
Other names: c.667G>A, p.Asp223Asn (NM_052814.4); short protein forms D223N.
Identifiers: ClinVar variation 960683 (VCV000960683.8), dbSNP rs745942827, ClinGen allele CA201614116.